The following is an entry in ClinVar:

NM_016938.5(EFEMP2):c.1170G>C (p.Arg390Ser)

Gene: EFEMP2 (EGF containing fibulin extracellular matrix protein 2; minus strand). Cytogenetic location: 11q13.1.
Variant type: single nucleotide variant.
Coding change: c.1170G>C on transcript NM_016938.5 (MANE Select); coding-DNA position 1170, G replaced by C.
Protein change: p.Arg390Ser; replaces arginine 390 with serine.
Molecular consequence: missense variant. On other transcripts: non-coding transcript variant (1).
Genome position (GRCh38, 1-based): chr11:65,867,861, C>G on the plus strand (G>C on the coding strand, the complement: EFEMP2 is on the minus strand). VCF-style: chr11-65867861-C-G. GRCh37 (hg19) VCF-style: chr11-65635332-C-G.
Other names: short protein forms R390S.
Identifiers: ClinVar variation 3506967 (VCV003506967.1).

ClinVar aggregate classification (germline): Uncertain significance (1 of 4 stars; one submission).

Conditions:
Cardiovascular phenotype. Identifiers: MedGen CN230736.

gnomAD v4.1: 1 of 1,613,928 alleles (0.000062%); highest among the groups gnomAD compares: East Asian, 0.0022%; no homozygotes.

Submission:

Ambry Genetics
Classification: Uncertain significance for Cardiovascular phenotype. Last evaluated: 2024-07-16. Review status: criteria provided, single submitter. Criteria: Ambry Variant Classification Scheme 2023. Collection method: clinical testing. Allele origin: germline.
Comment: The p.R390S variant (also known as c.1170G>C), located in coding exon 9 of the EFEMP2 gene, results from a G to C substitution at nucleotide position 1170. The arginine at codon 390 is replaced by serine, an amino acid with dissimilar properties. However, this change occurs in the last base pair of coding exon 9, which makes it likely to have some effect on normal mRNA splicing. This nucleotide position is well conserved in available vertebrate species. In silico splice site analysis predicts that this alteration will result in the creation or strengthening of a novel splice donor site. This amino acid position is highly conserved in available vertebrate species. In addition, as a missense substitution this is predicted to be deleterious by in silico analysis. Based on the available evidence, the clinical significance of this variant remains unclear.